The following is an entry in ClinVar:

ClinVar aggregate classification (germline): Pathogenic. Review status: criteria provided, multiple submitters, no conflicts (2 of 4 stars). 5 submissions from 5 submitters: Pathogenic (4). 1 of the submissions does not count toward it. Last evaluated 2024-03-26.

Conditions:
PLCE1-related disorder. Also called: PLCE1-related condition.
Nephrotic syndrome, type 3 (NPHS3). Also called: NEPHROTIC SYNDROME, EARLY-ONSET, TYPE 3. Identifiers: Orphanet 656, MedGen C1853124, MONDO:0012546, OMIM 610725.

Allele frequency attached by ClinVar (database versions not stated): TOPMed 0.00001; ExAC 0.00002; gnomAD exomes 0.00002.
gnomAD v4.1: 26 of 1,613,614 alleles (0.0016%); highest among the groups gnomAD compares: South Asian, 0.0033%; no homozygotes.

Submissions (5):

Fulgent Genetics
Classification: Pathogenic for Nephrotic syndrome, type 3. Last evaluated: 2024-03-26. Review status: criteria provided, single submitter. Criteria: ACMG Guidelines, 2015. Collection method: clinical testing. Allele origin: germline.

Blueprint Genetics
Classification: Pathogenic for PLCE1-related disorders. Last evaluated: 2023-05-08. Review status: criteria provided, single submitter. Criteria: ACMG Guidelines, 2015. Collection method: clinical testing. Allele origin: germline. Affected: yes. Observed: 3 variant alleles.

Foundation for Research in Genetics and Endocrinology, FRIGE's Institute of Human Genetics
Classification: Pathogenic for Nephrotic syndrome, type 3. Last evaluated: 2020-04-24. Review status: criteria provided, single submitter. Criteria: ACMG Guidelines, 2015. Collection method: clinical testing. Allele origin: germline. Inheritance: Autosomal recessive inheritance. Affected: no. Observed: 1 heterozygote.
Comment: A heterozygous nonsense variation in exon 1 of the PLCE1 gene that results in a stop codon and premature truncation of the protein at codon 321 was detected. The observed variant c.961C>T (p.Arg321Ter) has not been reported in the 1000 genomes and has a minor allele frequency of 0.002% in the ExAC databases. The reference codon is conserved across species. In summary, the variant meets our criteria to be classified as pathogenic.

Institute of Human Genetics Munich, TUM University Hospital
Classification: Pathogenic for Nephrotic syndrome, type 3. Last evaluated: 2020-01-27. Review status: criteria provided, single submitter. Criteria: Classification criteria August 2017. Collection method: clinical testing. Allele origin: germline. Inheritance: Autosomal recessive inheritance. Affected: yes. Observed: 1 homozygote.

OMIM
Classification: Pathogenic for NEPHROTIC SYNDROME, TYPE 3. Last evaluated: 2010-07-01. Review status: no assertion criteria provided. Collection method: literature only. Allele origin: germline. Not counted in ClinVar's aggregate classification.

Literature cited by the submitters: PubMed 20591883 (cited by Institute of Human Genetics Munich, TUM University Hospital and OMIM).

NM_016341.4(PLCE1):c.961C>T (p.Arg321Ter)

Gene: PLCE1 (phospholipase C epsilon 1; plus strand). Cytogenetic location: 10q23.33.
Variant type: single nucleotide variant.
Coding change: c.961C>T on transcript NM_016341.4 (MANE Select); coding-DNA position 961, C replaced by T.
Protein change: p.Arg321Ter; replaces arginine 321 with a stop codon.
Molecular consequence: nonsense.
Genome position (GRCh38, 1-based): chr10:94,032,007, C>T. VCF-style: chr10-94032007-C-T. GRCh37 (hg19) VCF-style: chr10-95791764-C-T.
Other names: c.961C>T, p.Arg321Ter (NM_001288989.2); short protein forms R321*.
Identifiers: ClinVar variation 18423 (VCV000018423.9), dbSNP rs267606954, ClinGen allele CA115501.